The following is an entry in ClinVar:

ClinVar aggregate classification (germline): Likely benign. Review status: criteria provided, multiple submitters, no conflicts (2 of 4 stars). 7 submissions from 7 submitters: Likely benign (5). 2 of the submissions do not count toward it. Last evaluated 2026-01-28.

Conditions:
TH-deficient dopa-responsive dystonia. Also called: Segawa syndrome, autosomal recessive; Tyrosine Hydroxylase-Deficient Dopa-Responsive Dystonia; DYT-TH. Identifiers: Orphanet 101150, MedGen C2673535, MONDO:0011551, OMIM 605407.
TH-related disorder. Also called: TH-related condition.

Allele frequency attached by ClinVar (database versions not stated): gnomAD 0.00026 and 0.00027; 1000 Genomes Project 30x 0.00047; 1000 Genomes Project 0.00060; TOPMed 0.00063.
gnomAD v4.1: 256 of 1,611,532 alleles (0.016%); highest among the groups gnomAD compares: Middle Eastern, 0.12%; 1 homozygote.

Submissions (7):

Labcorp Genetics (formerly Invitae), Labcorp
Classification: Likely benign for TH-deficient dopa-responsive dystonia. Last evaluated: 2026-01-28. Review status: criteria provided, single submitter. Criteria: Invitae Variant Classification Sherloc (09022015). Collection method: clinical testing. Allele origin: germline.

Mayo Clinic Laboratories, Mayo Clinic
Classification: Likely benign. Last evaluated: 2025-09-03. Review status: criteria provided, single submitter. Criteria: ACMG Guidelines, 2015. Collection method: clinical testing. Allele origin: germline. Observed: 1 variant allele.
Comment: BS1, BP4, BP7

Blueprint Genetics
Classification: Likely benign. Last evaluated: 2024-07-23. Review status: criteria provided, single submitter. Criteria: ACMG Guidelines, 2015. Collection method: clinical testing. Allele origin: germline.

GeneDx
Classification: Likely benign. Last evaluated: 2021-11-01. Review status: criteria provided, single submitter. Criteria: GeneDx Variant Classification Process June 2021. Collection method: clinical testing. Allele origin: germline. Affected: yes.

CeGaT Center for Human Genetics Tuebingen
Classification: Likely benign. Last evaluated: 2020-07-01. Review status: criteria provided, single submitter. Criteria: CeGaT Center For Human Genetics Tuebingen Variant Classification Criteria Version 2. Collection method: clinical testing. Allele origin: germline. Affected: yes. Observed: 1 variant allele.

Natera, Inc.
Classification: Uncertain significance for Autosomal recessive Segawa syndrome. Last evaluated: 2020-01-24. Review status: no assertion criteria provided. Collection method: clinical testing. Allele origin: germline. Not counted in ClinVar's aggregate classification.

PreventionGenetics, part of Exact Sciences
Classification: Likely benign for TH-related condition. Last evaluated: 2019-06-12. Review status: no assertion criteria provided. Collection method: clinical testing. Allele origin: germline. Not counted in ClinVar's aggregate classification.
Comment: This variant is classified as likely benign based on ACMG/AMP sequence variant interpretation guidelines (Richards et al. 2015 PMID: 25741868, with internal and published modifications).

NM_000360.4(TH):c.594G>T (p.Val198=)

Gene: TH (tyrosine hydroxylase; minus strand). Cytogenetic location: 11p15.5.
Variant type: single nucleotide variant.
Coding change: c.594G>T on transcript NM_000360.4 (MANE Select); coding-DNA position 594, G replaced by T.
Protein change: p.Val198=; no amino-acid change (valine 198 retained).
Molecular consequence: synonymous variant.
Genome position (GRCh38, 1-based): chr11:2,167,916, C>A on the plus strand (G>T on the coding strand, the complement: TH is on the minus strand). VCF-style: chr11-2167916-C-A. GRCh37 (hg19) VCF-style: chr11-2189146-C-A.
Other names: p.Val229=; c.687G>T, p.Val229= (NM_199292.3); c.675G>T, p.Val225= (NM_199293.3).
Identifiers: ClinVar variation 696505 (VCV000696505.55), dbSNP rs544661832, ClinGen allele CA5818581.
Genomic context (GRCh38, chr11:2,167,916, plus strand): 5'-GGCCCCTCACTGCCTGTACTGGAAGGCGATCTCAGCAATCAGCTTCCTGCGCTGGCGGTA[C>A]ACCTGGTCCGAGAAGCCCTGAGGGCAGAGGGGATGCACGGGTCAGGAGGCTGTGCTGGGG-3'
Protein context (NP_000351.2, residues 188-208): DLDHPGFSDQ[Val198=]YRQRRKLIAE